The following is an entry in ClinVar:

ClinVar aggregate classification (germline): Uncertain significance (1 of 4 stars; one submission).

Allele frequency attached by ClinVar (database versions not stated): gnomAD exomes below 0.00001.

Submission:

GeneDx
Classification: Uncertain significance. Last evaluated: 2026-05-21. Review status: criteria provided, single submitter. Criteria: GeneDx Variant Classification Process June 2021. Collection method: clinical testing. Allele origin: germline.
Comment: Not observed at significant frequency in large population cohorts (gnomAD); In silico analysis supports that this missense variant has a deleterious effect on protein structure/function; Has not been previously published as pathogenic or benign to our knowledge

NM_004667.6(HERC2):c.13544G>A (p.Arg4515Gln)

Gene: HERC2 (HECT and RLD domain containing E3 ubiquitin protein ligase 2; minus strand). Cytogenetic location: 15q13.1.
Variant type: single nucleotide variant.
Coding change: c.13544G>A on transcript NM_004667.6 (MANE Select); coding-DNA position 13544, G replaced by A.
Protein change: p.Arg4515Gln; replaces arginine 4515 with glutamine.
Molecular consequence: missense variant.
Genome position (GRCh38, 1-based): chr15:28,116,730, C>T on the plus strand (G>A on the coding strand, the complement: HERC2 is on the minus strand). VCF-style: chr15-28116730-C-T. GRCh37 (hg19) VCF-style: chr15-28361876-C-T.
Other names: short protein forms R4515Q.
Identifiers: ClinVar variation 1699862 (VCV001699862.3), dbSNP rs2142056219, ClinGen allele CA391371048.